The following is an entry in ClinVar:

NM_001282144.2(NLRX1):c.1473G>A (p.Val491=)

Gene: NLRX1 (NLR family member X1; plus strand). Cytogenetic location: 11q23.3.
Variant type: single nucleotide variant.
Coding change: c.1473G>A on transcript NM_001282144.2 (MANE Select); coding-DNA position 1473, G replaced by A.
Protein change: p.Val491=; no amino-acid change (valine 491 retained).
Molecular consequence: synonymous variant.
Genome position (GRCh38, 1-based): chr11:119,175,076, G>A. VCF-style: chr11-119175076-G-A. GRCh37 (hg19) VCF-style: chr11-119045785-G-A.
Other names: c.1473G>A, p.Val491= (NM_001282143.2, NM_001282358.2, NM_024618.4).
Identifiers: ClinVar variation 103132 (VCV000103132.2), dbSNP rs199476045, ClinGen allele CA230163.

ClinVar aggregate classification (germline): not provided (0 of 4 stars; one submission).

Allele frequency attached by ClinVar (database versions not stated): gnomAD 0.00001.
gnomAD v4.1: 1 of 1,614,146 alleles (0.000062%); highest among the groups gnomAD compares: Non-Finnish European, 0.000085%; no homozygotes.

Submission:

Human Evolutionary Genetics, Institut Pasteur
No classification provided. Review status: no classification provided. Collection method: not provided. Allele origin: germline.
ClinVar note: Converted during submission from untested to not provided.